The following is an entry in ClinVar:

NM_000077.5(CDKN2A):c.296G>C (p.Arg99Pro)

Gene: CDKN2A (cyclin dependent kinase inhibitor 2A; minus strand). Cytogenetic location: 9p21.3.
Variant type: single nucleotide variant.
Coding change: c.296G>C on transcript NM_000077.5; coding-DNA position 296, G replaced by C.
Protein change: p.Arg99Pro; replaces arginine 99 with proline.
Molecular consequence: missense variant (on NM_000077.6). On other transcripts: synonymous variant (1), 3 prime UTR variant (1).
Genome position (GRCh38, 1-based): chr9:21,971,063, C>G on the plus strand (G>C on the coding strand, the complement: CDKN2A is on the minus strand). VCF-style: chr9-21971063-C-G. GRCh37 (hg19) VCF-style: chr9-21971062-C-G.
Other names: c.296G>C, p.Arg99Pro (NM_000077.6, NM_001195132.2); c.143G>C, p.Arg48Pro (NM_001363763.2); c.339G>C, p.Pro113= (NM_058195.4); c.*219G>C (NM_058197.5); short protein forms R99P, R48P.
Identifiers: ClinVar variation 491572 (VCV000491572.20), dbSNP rs754806883, ClinGen allele CA373086116.

ClinVar aggregate classification (germline): Likely pathogenic. Review status: criteria provided, multiple submitters, no conflicts (2 of 4 stars). 5 submissions from 5 submitters: Likely pathogenic (5). Last evaluated 2025-11-18.

Conditions:
Melanoma and neural system tumor syndrome. Also called: MELANOMA-ASTROCYTOMA SYNDROME. Identifiers: Orphanet 252206, MedGen C1835042, MONDO:0007967, OMIM 155755.
Melanoma, cutaneous malignant, susceptibility to, 2 (CMM2). Also called: CDKN2A-Related Cutaneous Malignant Melanoma; Cutaneous malignant melanoma 2. Identifiers: Orphanet 618, MedGen C1835044, MONDO:0007964, OMIM 155601.
Melanoma-pancreatic cancer syndrome. Identifiers: Orphanet 404560, MedGen C1838547, MONDO:0011713, OMIM 606719. Disease mechanism: loss of function.
Hereditary cancer-predisposing syndrome. Also called: Tumor predisposition; Hereditary Cancer Syndrome; Neoplastic Syndromes, Hereditary; Hereditary neoplastic syndrome. Identifiers: Orphanet 140162, MedGen C0027672, MeSH D009386, MONDO:0015356.
Familial melanoma. Also called: Hereditary melanoma; Hereditary cutaneous melanoma. Identifiers: Orphanet 618, MedGen C1512419, MONDO:0018961.

Submissions (5):

Ambry Genetics
Classification: Likely pathogenic for Hereditary cancer-predisposing syndrome. Last evaluated: 2025-11-18. Review status: criteria provided, single submitter. Criteria: Ambry Variant Classification Scheme 2023. Collection method: clinical testing. Allele origin: germline.
Comment: The p.R99P variant (also known as c.296G>C), located in coding exon 2 of the CDKN2A gene, results from a G to C substitution at nucleotide position 296. The arginine at codon 99 is replaced by proline, an amino acid with dissimilar properties. This variant was reported in individual(s) with features consistent with melanoma-pancreatic cancer syndrome (Soufir N et al. Hum. Mol. Genet. 1998 Feb;7:209-16; Maubec E et al. J. Am. Acad. Dermatol. 2012 Dec;67:1257-64; Hatvani Z et al. Exp. Dermatol. 2014 May;23:361-4; Bruno W. J Am Acad Dermatol. 2016 Feb;74(2):325-32; Mizukami K et al. EBioMedicine. 2020 Oct;60:103033). Functional studies have shown that this variant decreased binding to both CDK4 and CDK6, as well as affecting the ability to inhibit cell growth (Kannengiesser C et al. Hum. Mutat. 2009 Apr;30:564-74; McKenzie HA et al. Hum. Mutat. 2010 Jun;31:692-701; Miller PJ et al. Hum. Mutat. 2011 Aug;32:900-11; Jenkins NC et al. J. Invest. Dermatol. 2013 Apr;133:1043-51). This variant is considered to be rare based on population cohorts in the Genome Aggregation Database (gnomAD). This amino acid position is poorly conserved in available vertebrate species. In addition, the in silico prediction for this alteration is inconclusive. Based on the majority of available evidence to date, this variant is likely to be pathogenic.

Labcorp Genetics (formerly Invitae), Labcorp
Classification: Likely pathogenic for Familial melanoma. Last evaluated: 2024-02-23. Review status: criteria provided, single submitter. Criteria: Invitae Variant Classification Sherloc (09022015). Collection method: clinical testing. Allele origin: germline.
Comment: The CDKN2A gene encodes two different proteins, p16INK4a and p14ARF, which are translated from alternative transcripts with different open reading frames. Both transcripts have been analyzed. We report either the variant with the higher classification or default to the CDKN2A (p16INK4a) variant. This report therefore includes the details for the CDKN2A (p16INK4a) variant. This sequence change replaces arginine, which is basic and polar, with proline, which is neutral and non-polar, at codon 99 of the CDKN2A (p16INK4a) protein (p.Arg99Pro). This variant is not present in population databases (gnomAD no frequency). This missense change has been observed in individual(s) with melanoma and/or pancreatic cancer (PMID: 9425228, 17047042, 19260062, 21462282, 22841127, 24660985). It has also been observed to segregate with disease in related individuals. This variant is also known as c.339G>C in CDKN2A (p14ARF) transcript NM_058195.3. ClinVar contains an entry for this variant (Variation ID: 491572). An algorithm developed to predict the effect of missense changes on protein structure and function (PolyPhen-2) suggests that this variant is likely to be disruptive. Experimental studies have shown that this missense change affects CDKN2A (p16INK4a) function (PMID: 2319082, 19260062, 20340316). In summary, the currently available evidence indicates that the variant is pathogenic, but additional data are needed to prove that conclusively. Therefore, this variant has been classified as Likely Pathogenic.

GeneDx
Classification: Likely pathogenic. Last evaluated: 2023-09-22. Review status: criteria provided, single submitter. Criteria: GeneDx Variant Classification Process June 2021. Collection method: clinical testing. Allele origin: germline. Affected: yes.
Comment: Published functional studies demonstrate a damaging effect: reduced binding ability demonstrating a loss of function, decrease in ability to inhibit proliferation, and altered localization (Kannengiesser et al., 2009; McKenzie et al., 2010; Jenkins et al., 2013); Not observed at significant frequency in large population cohorts (gnomAD); In silico analysis supports that this missense variant has a deleterious effect on protein structure/function; This variant is associated with the following publications: (PMID: 24660985, 23190892, 20340136, 21462282, 9425228, 19260062, 32980694)

Fulgent Genetics
Classification: Likely pathogenic for Melanoma, cutaneous malignant, susceptibility to, 2; Melanoma and neural system tumor syndrome; Melanoma-pancreatic cancer syndrome. Last evaluated: 2022-03-11. Review status: criteria provided, single submitter. Criteria: ACMG Guidelines, 2015. Collection method: clinical testing. Allele origin: unknown.

Color Diagnostics, LLC DBA Color Health
Classification: Likely pathogenic for Hereditary cancer-predisposing syndrome. Last evaluated: 2018-09-02. Review status: criteria provided, single submitter. Criteria: ACMG Guidelines, 2015. Collection method: clinical testing. Allele origin: germline.

Literature cited by the submitters: PubMed 19260062 (cited by Ambry Genetics and Labcorp Genetics (formerly Invitae), Labcorp); PubMed 20340136 (cited by Ambry Genetics); PubMed 21462282 (cited by Ambry Genetics and Labcorp Genetics (formerly Invitae), Labcorp); PubMed 22841127 (cited by Ambry Genetics and Labcorp Genetics (formerly Invitae), Labcorp); PubMed 23190892 (cited by Ambry Genetics); PubMed 24660985 (cited by Ambry Genetics and Labcorp Genetics (formerly Invitae), Labcorp); PubMed 26775776 (cited by Ambry Genetics); PubMed 32980694 (cited by Ambry Genetics); PubMed 9425228 (cited by Ambry Genetics and Labcorp Genetics (formerly Invitae), Labcorp); PubMed 17047042 (cited by Labcorp Genetics (formerly Invitae), Labcorp); PubMed 2319082 (cited by Labcorp Genetics (formerly Invitae), Labcorp); PubMed 20340316 (cited by Labcorp Genetics (formerly Invitae), Labcorp).